The following is an entry in ClinVar:

NM_005802.5(TOPORS):c.2917A>G (p.Asn973Asp)

Gene: TOPORS (TOP1 binding arginine/serine rich protein, E3 ubiquitin ligase; minus strand). Cytogenetic location: 9p21.1.
Variant type: single nucleotide variant.
Coding change: c.2917A>G on transcript NM_005802.5 (MANE Select); coding-DNA position 2917, A replaced by G.
Protein change: p.Asn973Asp; replaces asparagine 973 with aspartic acid.
Molecular consequence: missense variant.
Genome position (GRCh38, 1-based): chr9:32,541,608, T>C on the plus strand (A>G on the coding strand, the complement: TOPORS is on the minus strand). VCF-style: chr9-32541608-T-C. GRCh37 (hg19) VCF-style: chr9-32541606-T-C.
Other names: c.2722A>G, p.Asn908Asp (NM_001195622.2); short protein forms N908D, N973D.
Identifiers: ClinVar variation 2761579 (VCV002761579.3), dbSNP rs2489444453, ClinGen allele CA373160014.

ClinVar aggregate classification (germline): Uncertain significance (1 of 4 stars; one submission).

Submission:

Labcorp Genetics (formerly Invitae), Labcorp
Classification: Uncertain significance. Last evaluated: 2023-09-19. Review status: criteria provided, single submitter. Criteria: Invitae Variant Classification Sherloc (09022015). Collection method: clinical testing. Allele origin: germline.
Comment: In summary, the available evidence is currently insufficient to determine the role of this variant in disease. Therefore, it has been classified as a Variant of Uncertain Significance. Algorithms developed to predict the effect of missense changes on protein structure and function output the following: SIFT: "Not Available"; PolyPhen-2: "Not Available"; Align-GVGD: "Not Available". The aspartic acid amino acid residue is found in multiple mammalian species, which suggests that this missense change does not adversely affect protein function. This variant has not been reported in the literature in individuals affected with TOPORS-related conditions. This variant is not present in population databases (gnomAD no frequency). This sequence change replaces asparagine, which is neutral and polar, with aspartic acid, which is acidic and polar, at codon 973 of the TOPORS protein (p.Asn973Asp).